The following is an entry in ClinVar:

ClinVar aggregate classification (germline): Likely benign (1 of 4 stars; one submission).

Submission:

Laboratory for Molecular Medicine, Mass General Brigham Personalized Medicine
Classification: Likely benign. Last evaluated: 2016-03-28. Review status: criteria provided, single submitter. Criteria: LMM Criteria. Collection method: clinical testing. Allele origin: germline.
Comment: Variant identified in a genome or exome case(s) and assessed due to predicted null impact of the variant or pathogenic assertions in the literature or databases. Disclaimer: This variant has not undergone full assessment. The following are preliminary notes: Silent variant not near splice site

NM_002139.4(RBMX):c.891A>G (p.Thr297=)

Genes: RBMX (RNA binding motif protein X-linked; minus strand), LOC126863330 (MED14-independent group 3 enhancer GRCh37_chrX:135956167-135957366; plus strand). Cytogenetic location: Xq26.3.
Variant type: single nucleotide variant.
Coding change: c.891A>G on transcript NM_002139.4 (MANE Select); coding-DNA position 891, A replaced by G.
Protein change: p.Thr297=; no amino-acid change (threonine 297 retained).
Molecular consequence: synonymous variant. On other transcripts: non-coding transcript variant (2), intron variant (1).
Genome position (GRCh38, 1-based): chrX:136,874,427, T>C on the plus strand (A>G on the coding strand, the complement: RBMX is on the minus strand). VCF-style: chrX-136874427-T-C. GRCh37 (hg19) VCF-style: chrX-135956586-T-C.
Other names: c.540+659A>G (NM_001164803.2).
Identifiers: ClinVar variation 403368 (VCV000403368.4), dbSNP rs150079822, ClinGen allele CA10528730.